The following is an entry in ClinVar:

ClinVar aggregate classification (germline): Likely benign. Review status: criteria provided, multiple submitters, no conflicts (2 of 4 stars). 3 submissions from 3 submitters: Likely benign (3). Last evaluated 2026-01-16.

Allele frequency attached by ClinVar (database versions not stated): TOPMed 0.00001; ExAC 0.00002; gnomAD 0.00002; gnomAD exomes 0.00002; ESP Exome Variant Server 0.00008.
gnomAD v4.1: 63 of 1,613,570 alleles (0.0039%); highest among the groups gnomAD compares: Non-Finnish European, 0.005%; no homozygotes.

Submissions (3):

Labcorp Genetics (formerly Invitae), Labcorp
Classification: Likely benign. Last evaluated: 2026-01-16. Review status: criteria provided, single submitter. Criteria: Invitae Variant Classification Sherloc (09022015). Collection method: clinical testing. Allele origin: germline.

Blueprint Genetics
Classification: Likely benign. Last evaluated: 2024-04-11. Review status: criteria provided, single submitter. Criteria: ACMG Guidelines, 2015. Collection method: clinical testing. Allele origin: germline.

GeneDx
Classification: Likely benign. Last evaluated: 2020-11-20. Review status: criteria provided, single submitter. Criteria: GeneDx Variant Classification Process June 2021. Collection method: clinical testing. Allele origin: germline. Affected: yes.
Comment: Has not been previously published as pathogenic or benign to our knowledge

NM_001851.6(COL9A1):c.167-4A>G

Gene: COL9A1 (collagen type IX alpha 1 chain; minus strand). Cytogenetic location: 6q13.
Variant type: single nucleotide variant.
Coding change: c.167-4A>G on transcript NM_001851.6 (MANE Select); 4 bases into the intron before coding-DNA position 167, A replaced by G.
Molecular consequence: intron variant.
Genome position (GRCh38, 1-based): chr6:70,300,179, T>C on the plus strand (A>G on the coding strand, the complement: COL9A1 is on the minus strand). VCF-style: chr6-70300179-T-C. GRCh37 (hg19) VCF-style: chr6-71009882-T-C.
Other names: c.167-4A>G (NM_001377291.1).
Identifiers: ClinVar variation 1219311 (VCV001219311.7), dbSNP rs374720909, ClinGen allele CA3882887.
Genomic context (GRCh38, chr6:70,300,179, plus strand): 5'-GGATAGCTCTTCTAGATGCTGCTTTATCTACCTGGAACTGAGAGATCAGATCAAACCCTA[T>C]AGAATGGGAATACAAAATGAAAAGTCTAAAATGAGATTGGTTTTATTTCTTTCCACAACT-3'